The following is an entry in ClinVar:

ClinVar aggregate classification (germline): Pathogenic (1 of 4 stars; one submission).

Conditions:
Chédiak-Higashi syndrome (CHS). Also called: Chediak-Higashi Syndrome. Identifiers: Orphanet 167, MedGen C0007965, MONDO:0008963, OMIM 214500.

Submission:

Labcorp Genetics (formerly Invitae), Labcorp
Classification: Pathogenic for Chédiak-Higashi syndrome. Last evaluated: 2023-08-23. Review status: criteria provided, single submitter. Criteria: Invitae Variant Classification Sherloc (09022015). Collection method: clinical testing. Allele origin: germline.
Comment: For these reasons, this variant has been classified as Pathogenic. This variant has not been reported in the literature in individuals affected with LYST-related conditions. This variant is not present in population databases (gnomAD no frequency). This sequence change creates a premature translational stop signal (p.Trp454*) in the LYST gene. It is expected to result in an absent or disrupted protein product. Loss-of-function variants in LYST are known to be pathogenic (PMID: 9215679, 11857544).

Literature cited by the submitters: PubMed 9215679; PubMed 11857544.

NM_000081.4(LYST):c.1361G>A (p.Trp454Ter)

Gene: LYST (lysosomal trafficking regulator; minus strand). Cytogenetic location: 1q42.3.
Variant type: single nucleotide variant.
Coding change: c.1361G>A on transcript NM_000081.4 (MANE Select); coding-DNA position 1361, G replaced by A.
Protein change: p.Trp454Ter; replaces tryptophan 454 with a stop codon.
Molecular consequence: nonsense.
Genome position (GRCh38, 1-based): chr1:235,809,457, C>T on the plus strand (G>A on the coding strand, the complement: LYST is on the minus strand). VCF-style: chr1-235809457-C-T. GRCh37 (hg19) VCF-style: chr1-235972757-C-T.
Other names: c.1361G>A, p.Trp454Ter (NM_001301365.1); short protein forms W454*.
Identifiers: ClinVar variation 2747430 (VCV002747430.3), dbSNP rs2527116390, ClinGen allele CA344962573.